The following is an entry in ClinVar:

ClinVar aggregate classification (germline): Benign/Likely benign. Review status: criteria provided, multiple submitters, no conflicts (2 of 4 stars). 3 submissions from 2 submitters: Benign (2); Likely benign (1). Last evaluated 2018-01-13.

Conditions:
Familial hyperinsulinism. Also called: Congenital hyperinsulinism. Identifiers: Orphanet 276525, MedGen C3888018, MONDO:0017182. Disease mechanism: loss of function.
Maturity-onset diabetes of the young type 1. Also called: MILD JUVENILE DIABETES MELLITUS; MODY, type I; MODY type 1; Diabetes mellitus MODY type 1; MODY HNF4A related; HNF4A-Related Maturity-Onset Diabetes of the Young Type 1. Identifiers: Orphanet 552, MedGen C1852093, MONDO:0007452, OMIM 125850. Disease mechanism: loss of function.
Maturity-onset diabetes of the young (MODY). Also called: Maturity onset diabetes mellitus in young. Identifiers: Orphanet 552, MedGen C0342276, MONDO:0018911, HP:0004904.

Allele frequency attached by ClinVar (database versions not stated): gnomAD 0.00182 and 0.00195; TOPMed 0.00198; 1000 Genomes Project 0.00200; 1000 Genomes Project 30x 0.00250.

Submissions (3):

Illumina Laboratory Services, Illumina
Classification: Benign for Maturity-onset diabetes of the young type 1. Last evaluated: 2018-01-13. Review status: criteria provided, single submitter. Criteria: ICSL Variant Classification Criteria 13 December 2019. Collection method: clinical testing. Allele origin: germline.
Comment: This variant was observed in the ICSL laboratory as part of a predisposition screen in an ostensibly healthy population. It had not been previously curated by ICSL or reported in the Human Gene Mutation Database (HGMD: prior to June 1st, 2018), and was therefore a candidate for classification through an automated scoring system. Utilizing variant allele frequency, disease prevalence and penetrance estimates, and inheritance mode, an automated score was calculated to assess if this variant is too frequent to cause the disease. Based on the score and internal cut-off values, a variant classified as benign is not then subjected to further curation. The score for this variant resulted in a classification of benign for this disease.

Illumina Laboratory Services, Illumina
Classification: Likely benign for Familial hyperinsulinism. Last evaluated: 2018-01-13. Review status: criteria provided, single submitter. Criteria: ICSL Variant Classification Criteria 13 December 2019. Collection method: clinical testing. Allele origin: germline.
Comment: This variant was observed in the ICSL laboratory as part of a predisposition screen in an ostensibly healthy population. It had not been previously curated by ICSL or reported in the Human Gene Mutation Database (HGMD: prior to June 1st, 2018), and was therefore a candidate for classification through an automated scoring system. Utilizing variant allele frequency, disease prevalence and penetrance estimates, and inheritance mode, an automated score was calculated to assess if this variant is too frequent to cause the disease. Based on the score and internal cut-off values, a variant classified as likely benign is not then subjected to further curation. The score for this variant resulted in a classification of likely benign for this disease.

Clinical Genomics, Uppaluri K&H Personalized Medicine Clinic
Classification: Benign for Maturity-onset diabetes of the young. Review status: criteria provided, single submitter. Criteria: K & H Uppaluri Personalized Medicine Clinic Variant Classification & Assertion Criteria_Updated V.1. Collection method: research. Allele origin: unknown. Inheritance: Autosomal dominant inheritance.
Comment: Potent mutations in HNF4A are associated with poor insulin secretion in response to hyperglycemia. Associated with MODY1. Patients initially respond well to sulfonylureas but eventually become insulin dependent. However, more evidence is required to ascertain the role of this particular variant rs192208246 in MODY, yet.

Literature cited by the submitters: DOI 10.1159/000334532 (cited by Clinical Genomics, Uppaluri K&H Personalized Medicine Clinic); PubMed 18268044 (cited by Clinical Genomics, Uppaluri K&H Personalized Medicine Clinic); PubMed 17563455 (cited by Clinical Genomics, Uppaluri K&H Personalized Medicine Clinic); PubMed 32583173 (cited by Clinical Genomics, Uppaluri K&H Personalized Medicine Clinic); PubMed 35052457 (cited by Clinical Genomics, Uppaluri K&H Personalized Medicine Clinic); PubMed 35118593 (cited by Clinical Genomics, Uppaluri K&H Personalized Medicine Clinic).

NM_175914.5(HNF4A):c.*1095G>A

Gene: HNF4A (hepatocyte nuclear factor 4 alpha; plus strand). Cytogenetic location: 20q13.12.
Variant type: single nucleotide variant.
Coding change: c.*1095G>A on transcript NM_175914.5 (MANE Select); 1095 bases downstream of the stop codon, G replaced by A.
Molecular consequence: 3 prime UTR variant.
Genome position (GRCh38, 1-based): chr20:44,430,760, G>A. VCF-style: chr20-44430760-G-A. GRCh37 (hg19) VCF-style: chr20-43059400-G-A.
Other names: c.*1095G>A (NM_000457.6, NM_001030003.3, NM_001258355.2 and 3 more transcripts).
Identifiers: ClinVar variation 338456 (VCV000338456.6), dbSNP rs192208246, ClinGen allele CA10649744.